The following is an entry in ClinVar:

NC_000007.13:g.(?_152345727)_(152346458_?)del

Gene: XRCC2 (X-ray repair cross complementing 2; minus strand). Cytogenetic location: 7q36.1.
Variant type: Deletion.
Identifiers: ClinVar variation 1047137 (VCV001047137.5).

ClinVar aggregate classification (germline): Uncertain significance (1 of 4 stars; one submission).

Submission:

Labcorp Genetics (formerly Invitae), Labcorp
Classification: Uncertain significance. Last evaluated: 2022-09-29. Review status: criteria provided, single submitter. Criteria: Invitae Variant Classification Sherloc (09022015). Collection method: clinical testing. Allele origin: germline.
Comment: This variant is a gross deletion of the genomic region encompassing exon(s) 3 of the XRCC2 gene, which includes the termination codon. This deletion extends beyond the assayed region for this gene and therefore may encompass additional genes. While this deletion is not anticipated to lead to nonsense mediated decay, it is expected to alter mRNA translation or result in a truncated protein product. A similar copy number variant has been observed in individual(s) with breast cancer (PMID: 26845104). Experimental studies and prediction algorithms are not available or were not evaluated, and the functional significance of this variant is currently unknown. In summary, the available evidence is currently insufficient to determine the role of this variant in disease. Therefore, it has been classified as a Variant of Uncertain Significance.

Literature cited by the submitters: PubMed 26845104.